The following is an entry in ClinVar:

ClinVar aggregate classification (germline): Likely benign (0 of 4 stars; one submission).

Conditions:
DNHD1-related disorder. Also called: DNHD1-related condition.

Allele frequency attached by ClinVar (database versions not stated): 1000 Genomes Project 0.00020; 1000 Genomes Project 30x 0.00031; ExAC 0.00053; gnomAD 0.00057; TOPMed 0.00057; ESP Exome Variant Server 0.00088.
gnomAD v4.1: 1,252 of 1,613,746 alleles (0.078%); highest among the groups gnomAD compares: Non-Finnish European, 0.1%; no homozygotes.

Submission:

PreventionGenetics, part of Exact Sciences
Classification: Likely benign for DNHD1-related condition. Last evaluated: 2019-08-08. Review status: no assertion criteria provided. Collection method: clinical testing. Allele origin: germline.
Comment: This variant is classified as likely benign based on ACMG/AMP sequence variant interpretation guidelines (Richards et al. 2015 PMID: 25741868, with internal and published modifications).

NM_144666.3(DNHD1):c.12282G>A (p.Pro4094=)

Gene: DNHD1 (dynein heavy chain domain 1; plus strand). Cytogenetic location: 11p15.4.
Variant type: single nucleotide variant.
Coding change: c.12282G>A on transcript NM_144666.3 (MANE Select); coding-DNA position 12282, G replaced by A.
Protein change: p.Pro4094=; no amino-acid change (proline 4094 retained).
Molecular consequence: synonymous variant.
Genome position (GRCh38, 1-based): chr11:6,567,791, G>A. VCF-style: chr11-6567791-G-A. GRCh37 (hg19) VCF-style: chr11-6589021-G-A.
Identifiers: ClinVar variation 3035370 (VCV003035370.2), dbSNP rs201927512, ClinGen allele CA5856806.
Genomic context (GRCh38, chr11:6,567,791, plus strand): 5'-TCCCACCATGCCCTTTAAACATAGTCAGGCTACTCAGCCCATGCTGATCTTGTTGCCACC[G>A]CCTGGCCACCCCTCAGCCACTCTGCATCCTCTGACTGTCATCCAGAAACTGGCTGCCAAG-3'
Protein context (NP_653267.2, residues 4084-4104): ATQPMLILLP[Pro4094=]PGHPSATLHP